The following is an entry in ClinVar:

NM_006073.4(TRDN):c.1175C>T (p.Pro392Leu)

Gene: TRDN (triadin; minus strand). Cytogenetic location: 6q22.31.
Variant type: single nucleotide variant.
Coding change: c.1175C>T on transcript NM_006073.4 (MANE Select); coding-DNA position 1175, C replaced by T.
Protein change: p.Pro392Leu; replaces proline 392 with leucine.
Molecular consequence: missense variant.
Genome position (GRCh38, 1-based): chr6:123,381,381, G>A on the plus strand (C>T on the coding strand, the complement: TRDN is on the minus strand). VCF-style: chr6-123381381-G-A. GRCh37 (hg19) VCF-style: chr6-123702526-G-A.
Other names: c.1178C>T, p.Pro393Leu (NM_001251987.2); short protein forms P392L, P393L.
Identifiers: ClinVar variation 463664 (VCV000463664.10), dbSNP rs1364039811, ClinGen allele CA365566690.
Genomic context (GRCh38, chr6:123,381,381, plus strand): 5'-ATAGTAGTAAAAAAAAAAGTACACAAATACACTGCATGCATTTCCTTACTTTTTCCCTTG[G>A]GTTGTTCTACTGAAAGAAATACAAACAAAATCATTGCTCTTAAAACTTTAAAGATAAAAC-3'
Protein context (NP_006064.2, residues 382-402): KTKKPAEVEQ[Pro392Leu]KGKKQEKKEK

ClinVar aggregate classification (germline): Uncertain significance. Review status: criteria provided, multiple submitters, no conflicts (2 of 4 stars). 2 submissions from 2 submitters: Uncertain significance (2). Last evaluated 2021-08-28.

Conditions:
Catecholaminergic polymorphic ventricular tachycardia 5 (CARDAR). Also called: Ventricular tachycardia, catecholaminergic polymorphic, 5, with or without muscle weakness; CARDIAC ARRHYTHMIA SYNDROME, WITH OR WITHOUT SKELETAL MUSCLE WEAKNESS. Identifiers: Orphanet 3286, MedGen C3809536, MONDO:0014191, OMIM 615441.
Catecholaminergic polymorphic ventricular tachycardia 1. Also called: VENTRICULAR TACHYCARDIA, STRESS-INDUCED POLYMORPHIC 1; VENTRICULAR TACHYCARDIA, CATECHOLAMINERGIC POLYMORPHIC, 1, WITH OR WITHOUT ATRIAL DYSFUNCTION AND/OR DILATED CARDIOMYOPATHY; RYR2-Related Catecholaminergic Polymorphic Ventricular Tachycardia. Identifiers: Orphanet 3286, MedGen C1631597, MONDO:0011484, OMIM 604772.

gnomAD v4.1: 1 of 1,557,166 alleles (0.000064%); highest among the groups gnomAD compares: Non-Finnish European, 0.000087%; no homozygotes.

Submissions (2):

Labcorp Genetics (formerly Invitae), Labcorp
Classification: Uncertain significance for Catecholaminergic polymorphic ventricular tachycardia 1. Last evaluated: 2021-08-28. Review status: criteria provided, single submitter. Criteria: Invitae Variant Classification Sherloc (09022015). Collection method: clinical testing. Allele origin: germline.
Comment: This sequence change replaces proline with leucine at codon 392 of the TRDN protein (p.Pro392Leu). The proline residue is moderately conserved and there is a moderate physicochemical difference between proline and leucine. This variant is not present in population databases (ExAC no frequency). This variant has not been reported in the literature in individuals affected with TRDN-related conditions. Algorithms developed to predict the effect of missense changes on protein structure and function output the following: SIFT: "Deleterious"; PolyPhen-2: "Benign"; Align-GVGD: "Class C0". The leucine amino acid residue is found in multiple mammalian species, which suggests that this missense change does not adversely affect protein function. In summary, the available evidence is currently insufficient to determine the role of this variant in disease. Therefore, it has been classified as a Variant of Uncertain Significance.

Revvity Omics, Revvity
Classification: Uncertain significance for Catecholaminergic polymorphic ventricular tachycardia 5. Last evaluated: 2020-10-01. Review status: criteria provided, single submitter. Criteria: ACMG Guidelines, 2015. Collection method: clinical testing. Allele origin: germline.